The following is an entry in ClinVar:

NM_004304.5(ALK):c.229T>A (p.Ser77Thr)

Gene: ALK (ALK receptor tyrosine kinase; minus strand). Cytogenetic location: 2p23.1.
Variant type: single nucleotide variant.
Coding change: c.229T>A on transcript NM_004304.5 (MANE Select); coding-DNA position 229, T replaced by A.
Protein change: p.Ser77Thr; replaces serine 77 with threonine.
Molecular consequence: missense variant.
Genome position (GRCh38, 1-based): chr2:29,920,431, A>T on the plus strand (T>A on the coding strand, the complement: ALK is on the minus strand). VCF-style: chr2-29920431-A-T. GRCh37 (hg19) VCF-style: chr2-30143297-A-T.
Other names: short protein forms S77T.
Identifiers: ClinVar variation 4870378 (VCV004870378.1).

ClinVar aggregate classification (germline): Uncertain significance (1 of 4 stars; one submission).

Conditions:
Hereditary cancer-predisposing syndrome. Also called: Neoplastic Syndromes, Hereditary; Tumor predisposition; Hereditary Cancer Syndrome; Hereditary neoplastic syndrome. Identifiers: Orphanet 140162, MedGen C0027672, MeSH D009386, MONDO:0015356.

Submission:

Ambry Genetics
Classification: Uncertain significance for Hereditary cancer-predisposing syndrome. Last evaluated: 2026-05-18. Review status: criteria provided, single submitter. Criteria: Ambry Variant Classification Scheme 2023. Collection method: clinical testing. Allele origin: germline.
Comment: The p.S77T variant (also known as c.229T>A), located in coding exon 1 of the ALK gene, results from a T to A substitution at nucleotide position 229. The serine at codon 77 is replaced by threonine, an amino acid with similar properties. This amino acid position is conserved. In addition, this alteration is predicted to be tolerated by in silico analysis. Based on the available evidence, the clinical significance of this variant remains unclear.